The following is an entry in ClinVar:

ClinVar aggregate classification (germline): Uncertain significance (1 of 4 stars; one submission).

Conditions:
GLUT1 deficiency syndrome 1, autosomal recessive. Identifiers: MedGen C3149117.

Submission:

Labcorp Genetics (formerly Invitae), Labcorp
Classification: Uncertain significance for GLUT1 deficiency syndrome 1, autosomal recessive. Last evaluated: 2025-01-22. Review status: criteria provided, single submitter. Criteria: Invitae Variant Classification Sherloc (09022015). Collection method: clinical testing. Allele origin: germline.
Comment: This variant, c.661_663del, results in the deletion of 1 amino acid(s) of the SLC2A1 protein (p.Glu221del), but otherwise preserves the integrity of the reading frame. This variant is not present in population databases (gnomAD no frequency). This variant has not been reported in the literature in individuals affected with SLC2A1-related conditions. In summary, the available evidence is currently insufficient to determine the role of this variant in disease. Therefore, it has been classified as a Variant of Uncertain Significance.

NM_006516.4(SLC2A1):c.658GAG[1] (p.Glu221del)

Gene: SLC2A1 (solute carrier family 2 member 1; minus strand). Cytogenetic location: 1p34.2.
Variant type: Microsatellite.
Coding change: c.658GAG[1] on transcript NM_006516.4 (MANE Select); one copy of the 3-base unit GAG starting at c.658; the reference has two copies in a row; one copy, 3 bases deleted.
Protein change: p.Glu221del; deletes glutamic acid 221.
Genome position (GRCh38, 1-based): chr1:42,929,889-42,929,891, CTC deleted on the plus strand (GAG on the coding strand, the reverse complement: SLC2A1 is on the minus strand); deleting any 3 consecutive bases within chr1:42,929,889-42,929,894 gives the same sequence; the position shown is the placement nearest the transcript's 3' end. VCF-style (leftmost placement, unchanged base first): chr1-42929888-TCTC-T. GRCh37 (hg19) VCF-style: chr1-43395559-TCTC-T.
Other names: short protein forms E221del.
Identifiers: ClinVar variation 3704883 (VCV003704883.2).